The following is an entry in ClinVar:

NM_001197104.2(KMT2A):c.9619A>G (p.Arg3207Gly)

Gene: KMT2A (lysine methyltransferase 2A; plus strand). Cytogenetic location: 11q23.3.
Variant type: single nucleotide variant.
Coding change: c.9619A>G on transcript NM_001197104.2 (MANE Select); coding-DNA position 9619, A replaced by G.
Protein change: p.Arg3207Gly; replaces arginine 3207 with glycine.
Molecular consequence: missense variant.
Genome position (GRCh38, 1-based): chr11:118,505,511, A>G. VCF-style: chr11-118505511-A-G. GRCh37 (hg19) VCF-style: chr11-118376226-A-G.
Other names: c.9709A>G, p.Arg3237Gly (NM_001412597.1); c.9610A>G, p.Arg3204Gly (NM_005933.4); short protein forms R3204G, R3207G, R3237G.
Identifiers: ClinVar variation 1720482 (VCV001720482.5), dbSNP rs2497020999, ClinGen allele CA382821158.

ClinVar aggregate classification (germline): Uncertain significance (1 of 4 stars; one submission).

Allele frequency attached by ClinVar (database versions not stated): gnomAD exomes below 0.00001.
gnomAD v4.1: 1 of 1,614,184 alleles (0.000062%); highest among the groups gnomAD compares: Non-Finnish European, 0.000085%; no homozygotes.

Submission:

Labcorp Genetics (formerly Invitae), Labcorp
Classification: Uncertain significance. Last evaluated: 2022-09-27. Review status: criteria provided, single submitter. Criteria: Invitae Variant Classification Sherloc (09022015). Collection method: clinical testing. Allele origin: germline.
Comment: In summary, the available evidence is currently insufficient to determine the role of this variant in disease. Therefore, it has been classified as a Variant of Uncertain Significance. Advanced modeling of protein sequence and biophysical properties (such as structural, functional, and spatial information, amino acid conservation, physicochemical variation, residue mobility, and thermodynamic stability) performed at Invitae indicates that this missense variant is not expected to disrupt KMT2A protein function. This variant has not been reported in the literature in individuals affected with KMT2A-related conditions. This variant is not present in population databases (gnomAD no frequency). This sequence change replaces arginine, which is basic and polar, with glycine, which is neutral and non-polar, at codon 3207 of the KMT2A protein (p.Arg3207Gly).